The following continues an entry in ClinVar:

NM_007294.4(BRCA1):c.230C>T (p.Thr77Met)

Gene: BRCA1. ClinVar aggregate classification (germline): Conflicting classifications of pathogenicity. Uncertain significance (8); Benign (1); Likely benign (3).

Submissions 8 to 16 of 16:

All of Us Research Program, National Institutes of Health
Classification: Uncertain significance for Breast-ovarian cancer, familial, susceptibility to, 1. Last evaluated: 2023-07-10. Review status: criteria provided, single submitter. Criteria: ACMG Guidelines, 2015. Collection method: clinical testing. Allele origin: germline. Inheritance: Autosomal dominant inheritance. Observed: 2 variant alleles, 2 heterozygotes.
Comment: This missense variant replaces threonine with methionine at codon 77 of the BRCA1 protein. Computational prediction is inconclusive regarding the impact of this variant on protein structure and function (internally defined REVEL score threshold 0.5 < inconclusive < 0.7, PMID: 27666373). Functional studies have reported that this variant does not impact BRCA1 function in a homology-directed repair and a haploid cell proliferation assay (PMID: 30209399, 30219179), and functional studies on ubiquitin-related activities also have reported partial to no impact (PMID: 16403807, 30696104). This variant has been reported in at least one individual each affected with breast, prostate and thyroid cancer (PMID: 22034289, 29684080, 31214711, 33471991; Leiden Open Variation Database DB-ID BRCA1_000065). This variant has been identified in 4/251146 chromosomes in the general population by the Genome Aggregation Database (gnomAD). The available evidence is insufficient to determine the role of this variant in disease conclusively. Therefore, this variant is classified as a Variant of Uncertain Significance.

This study involves interpretation of variants in research participants for the purpose of population health screening. Participant phenotype was not available at the time of variant classification. Additional details can be found in publication PMID: 35346344, PMCID: PMC8962531

CHEO Genetics Diagnostic Laboratory, Children's Hospital of Eastern Ontario
Classification: Uncertain significance for Breast and/or ovarian cancer. Last evaluated: 2022-01-27. Review status: criteria provided, single submitter. Criteria: ACMG Guidelines, 2015. Collection method: clinical testing. Allele origin: germline.

GeneDx
Classification: Uncertain significance. Last evaluated: 2021-09-16. Review status: criteria provided, single submitter. Criteria: GeneDx Variant Classification Process June 2021. Collection method: clinical testing. Allele origin: germline. Affected: yes.
Comment: Observed in individuals with breast cancer or thyroid cancer (Fackenthal 2012, Yehia 2018); Published functional studies demonstrate decreased E2 binding and E3 ligase activity, but no impact on BARD1 binding, HDR activity, or cell survival (Morris 2006, Findlay 2018, Starita 2018, Caleca 2019); In silico analysis supports that this missense variant has a deleterious effect on protein structure/function; Not observed at significant frequency in large population cohorts (Lek 2016); Also known as 349C>T; This variant is associated with the following publications: (PMID: 22034289, 29684080, 20104584, 24389207, 30219179, 30696104, 30209399, 29106415, 15385441, 20016594, 25823446, 16267036, 27720647, 24489791, 21309043, 26761715, 16403807)

Ambry Genetics
Classification: Likely benign for Hereditary cancer-predisposing syndrome. Last evaluated: 2021-08-06. Review status: criteria provided, single submitter. Criteria: Ambry Variant Classification Scheme 2023. Collection method: clinical testing. Allele origin: germline.

Illumina Laboratory Services, Illumina
Classification: Uncertain significance for Breast-ovarian cancer, familial, susceptibility to, 1. Last evaluated: 2017-04-27. Review status: criteria provided, single submitter. Criteria: ICSL Variant Classification Criteria 13 December 2019. Collection method: clinical testing. Allele origin: germline.
Comment: This variant was observed as part of a predisposition screen in an ostensibly healthy population. A literature search was performed for the gene, cDNA change, and amino acid change (where applicable). Publications were found based on this search. However, the evidence from the literature, in combination with allele frequency data from public databases where available, was not sufficient to rule this variant in or out of causing disease. Therefore, this variant is classified as a variant of unknown significance.

Counsyl
Classification: Uncertain significance for Breast-ovarian cancer, familial, susceptibility to, 1. Last evaluated: 2017-08-02. Review status: no assertion criteria provided. Collection method: clinical testing. Allele origin: unknown. Not counted in ClinVar's aggregate classification.

Sharing Clinical Reports Project (SCRP)
Classification: Uncertain significance for Breast-ovarian cancer, familial 1. Last evaluated: 2012-09-20. Review status: no assertion criteria provided. Collection method: clinical testing. Allele origin: germline. Not counted in ClinVar's aggregate classification.

Breast Cancer Information Core (BIC) (BRCA1)
Classification: Uncertain significance for Breast-ovarian cancer, familial 1. Last evaluated: 2002-05-29. Review status: no assertion criteria provided. Collection method: clinical testing. Allele origin: germline. Affected: yes. Observed: 2 variant alleles. Not counted in ClinVar's aggregate classification.

Brotman Baty Institute, University of Washington
No classification provided (evidence only). Condition: Breast-ovarian cancer, familial 1. Review status: no classification provided. Collection method: in vitro. Allele origin: not applicable. Functional consequence: functionally_normal. Not counted in ClinVar's aggregate classification.
ClinVar note: "not provided" was previously submitted as the classification for the variant. However, the classification appeared to be based only on an observation of functional data so it was converted to no classification on 2025-07-30.

Literature cited by the submitters: PubMed 16403807 (cited by 6 submitters); PubMed 30209399 (cited by 6 submitters); PubMed 30219179 (cited by Color Diagnostics, LLC DBA Color Health and All of Us Research Program, National Institutes of Health); PubMed 30696104 (cited by 5 submitters); PubMed 31131967 (cited by Color Diagnostics, LLC DBA Color Health and Quest Diagnostics Nichols Institute San Juan Capistrano); PubMed 31214711 (cited by Color Diagnostics, LLC DBA Color Health and All of Us Research Program, National Institutes of Health); PubMed 31853058 (cited by Color Diagnostics, LLC DBA Color Health); PubMed 33471991 (cited by 3 submitters); PubMed 35659930 (cited by Quest Diagnostics Nichols Institute San Juan Capistrano and Women's Health and Genetics/Laboratory Corporation of America, LabCorp); PubMed 32467295 (cited by Quest Diagnostics Nichols Institute San Juan Capistrano); PubMed 36243179 (cited by Quest Diagnostics Nichols Institute San Juan Capistrano); PubMed 20016594 (cited by Quest Diagnostics Nichols Institute San Juan Capistrano and Women's Health and Genetics/Laboratory Corporation of America, LabCorp); PubMed 24489791 (cited by 4 submitters); PubMed 21309043 (cited by 3 submitters); PubMed 15385441 (cited by 3 submitters); PubMed 22034289 (cited by 5 submitters); PubMed 16267036 (cited by 3 submitters); PubMed 26761715 (cited by 3 submitters); PubMed 25823446 (cited by Quest Diagnostics Nichols Institute San Juan Capistrano and Ambry Genetics); PubMed 39142283 (cited by Lupski Lab, Baylor-Hopkins CMG, Baylor College of Medicine); PubMed 34793697 (cited by Lupski Lab, Baylor-Hopkins CMG, Baylor College of Medicine); DOI 10.1101/2024.04.11.24305690 (cited by Lupski Lab, Baylor-Hopkins CMG, Baylor College of Medicine); PubMed 29684080 (cited by All of Us Research Program, National Institutes of Health).